The following is an entry in ClinVar:

ClinVar aggregate classification (germline): Benign. Review status: criteria provided, multiple submitters, no conflicts (2 of 4 stars). 2 submissions from 2 submitters: Benign (2). Last evaluated 2018-06-19.

Allele frequency attached by ClinVar (database versions not stated): 1000 Genomes Project 30x 0.15849; 1000 Genomes Project 0.15875; gnomAD 0.16055 and 0.16181; TOPMed 0.16480.
gnomAD v4.1: 24,816 of 152,244 alleles (16%); highest among the groups gnomAD compares: East Asian, 25%; 2,396 homozygotes.

Submissions (2):

GeneDx
Classification: Benign. Last evaluated: 2018-06-19. Review status: criteria provided, single submitter. Criteria: GeneDx Variant Classification (06012015). Collection method: clinical testing. Allele origin: germline. Affected: yes.
Comment: This variant is considered likely benign or benign based on one or more of the following criteria: it is a conservative change, it occurs at a poorly conserved position in the protein, it is predicted to be benign by multiple in silico algorithms, and/or has population frequency not consistent with disease.

Breakthrough Genomics
Classification: Benign. Review status: criteria provided, single submitter. Criteria: ACMG Guidelines, 2015. Collection method: not provided. Allele origin: germline. Inheritance: Autosomal recessive inheritance. Affected: yes.

NM_139343.3(BIN1):c.1131+214A>G

Gene: BIN1 (bridging integrator 1; minus strand). Cytogenetic location: 2q14.3.
Variant type: single nucleotide variant.
Coding change: c.1131+214A>G on transcript NM_139343.3 (MANE Select); 214 bases into the intron after coding-DNA position 1131, A replaced by G.
Molecular consequence: intron variant.
Genome position (GRCh38, 1-based): chr2:127,057,259, T>C on the plus strand (A>G on the coding strand, the complement: BIN1 is on the minus strand). VCF-style: chr2-127057259-T-C. GRCh37 (hg19) VCF-style: chr2-127814835-T-C.
Other names: c.1050+214A>G (NM_001320642.1); c.837+1752A>G (NM_001320634.1); c.909+1752A>G (NM_139351.3, NM_139350.3, NM_139349.3); c.1038+214A>G (NM_139348.3, NM_139347.3, NM_001320641.2); c.954+1752A>G (NM_001320632.2, NM_004305.4); c.1083+214A>G (NM_139346.3); c.1002+1752A>G (NM_001320633.2, NM_139345.3, NM_139344.3); c.1131+214A>G (NM_001320640.2).
Identifiers: ClinVar variation 680049 (VCV000680049.2), dbSNP rs3754617, ClinGen allele CA11082047.
Genomic context (GRCh38, chr2:127,057,259, plus strand): 5'-CGTCGCGAGGGCGCTGCTGATGTAACTGCTGCGCCGGGAGAGGCGGCACCTTCCCCTCTG[T>C]GGCCCTGCATCTGGCCTTAGTACATGCTCAGAGATGGGTGATGGAGGATGATGGAGGATG-3'